The following is an entry in ClinVar:

NM_006946.4(SPTBN2):c.3404A>C (p.Gln1135Pro)

Gene: SPTBN2 (spectrin beta, non-erythrocytic 2; minus strand). Cytogenetic location: 11q13.2.
Variant type: single nucleotide variant.
Coding change: c.3404A>C on transcript NM_006946.4 (MANE Select); coding-DNA position 3404, A replaced by C.
Protein change: p.Gln1135Pro; replaces glutamine 1135 with proline.
Molecular consequence: missense variant.
Genome position (GRCh38, 1-based): chr11:66,700,695, T>G on the plus strand (A>C on the coding strand, the complement: SPTBN2 is on the minus strand). VCF-style: chr11-66700695-T-G. GRCh37 (hg19) VCF-style: chr11-66468166-T-G.
Other names: short protein forms Q1135P.
Identifiers: ClinVar variation 1698191 (VCV001698191.2), dbSNP rs751211496, ClinGen allele CA381474802.

ClinVar aggregate classification (germline): Uncertain significance (1 of 4 stars; one submission).

Submission:

GeneDx
Classification: Uncertain significance. Last evaluated: 2022-01-24. Review status: criteria provided, single submitter. Criteria: GeneDx Variant Classification Process June 2021. Collection method: clinical testing. Allele origin: germline. Affected: yes.
Comment: Not observed at significant frequency in large population cohorts (gnomAD); In silico analysis supports that this missense variant has a deleterious effect on protein structure/function; Has not been previously published as pathogenic or benign to our knowledge